The following is an entry in ClinVar:

NM_001256007.3(PNPLA8):c.1856C>T (p.Ala619Val)

Gene: PNPLA8 (patatin like domain 8, phospholipase A2; minus strand). Cytogenetic location: 7q31.1.
Variant type: single nucleotide variant.
Coding change: c.1856C>T on transcript NM_001256007.3 (MANE Select); coding-DNA position 1856, C replaced by T.
Protein change: p.Ala619Val; replaces alanine 619 with valine.
Molecular consequence: missense variant. On other transcripts: intron variant (1).
Genome position (GRCh38, 1-based): chr7:108,487,781, G>A on the plus strand (C>T on the coding strand, the complement: PNPLA8 is on the minus strand). VCF-style: chr7-108487781-G-A. GRCh37 (hg19) VCF-style: chr7-108128225-G-A.
Other names: c.1856C>T, p.Ala619Val (NM_001256008.3, NM_015723.5); c.1556C>T, p.Ala519Val (NM_001256010.3, NM_001256011.3); c.1692+164C>T (NM_001256009.3); short protein forms A619V, A519V.
Identifiers: ClinVar variation 2175755 (VCV002175755.4), dbSNP rs757427781, ClinGen allele CA4439463.

ClinVar aggregate classification (germline): Uncertain significance (1 of 4 stars; one submission).

Allele frequency attached by ClinVar (database versions not stated): gnomAD exomes below 0.00001; ExAC 0.00001; gnomAD 0.00001; TOPMed 0.00001.
gnomAD v4.1: 5 of 1,607,052 alleles (0.00031%); highest among the groups gnomAD compares: Middle Eastern, 0.049%; no homozygotes.

Submission:

Labcorp Genetics (formerly Invitae), Labcorp
Classification: Uncertain significance. Last evaluated: 2022-09-01. Review status: criteria provided, single submitter. Criteria: Invitae Variant Classification Sherloc (09022015). Collection method: clinical testing. Allele origin: germline.
Comment: This variant has not been reported in the literature in individuals affected with PNPLA8-related conditions. In summary, the available evidence is currently insufficient to determine the role of this variant in disease. Therefore, it has been classified as a Variant of Uncertain Significance. Algorithms developed to predict the effect of missense changes on protein structure and function output the following: SIFT: "Tolerated"; PolyPhen-2: "Benign"; Align-GVGD: "Class C0". The valine amino acid residue is found in multiple mammalian species, which suggests that this missense change does not adversely affect protein function. This variant is present in population databases (rs757427781, gnomAD 0.003%). This sequence change replaces alanine, which is neutral and non-polar, with valine, which is neutral and non-polar, at codon 619 of the PNPLA8 protein (p.Ala619Val).